The following is an entry in ClinVar:

ClinVar aggregate classification (germline): Conflicting classifications of pathogenicity. Review status: criteria provided, conflicting classifications (1 of 4 stars). 3 submissions from 3 submitters: Uncertain significance (2); Likely benign (1). Last evaluated 2025-06-02.

Allele frequency attached by ClinVar (database versions not stated): ExAC 0.00004; gnomAD 0.00007; TOPMed 0.00007.
gnomAD v4.1: 114 of 1,613,596 alleles (0.0071%); highest among the groups gnomAD compares: Non-Finnish European, 0.0086%; no homozygotes.

Submissions (3):

Labcorp Genetics (formerly Invitae), Labcorp
Classification: Uncertain significance. Last evaluated: 2025-06-02. Review status: criteria provided, single submitter. Criteria: Invitae Variant Classification Sherloc (09022015). Collection method: clinical testing. Allele origin: germline.
Comment: This sequence change replaces proline, which is neutral and non-polar, with threonine, which is neutral and polar, at codon 1606 of the HMCN1 protein (p.Pro1606Thr). This variant is present in population databases (rs776501578, gnomAD 0.01%). This variant has not been reported in the literature in individuals affected with HMCN1-related conditions. ClinVar contains an entry for this variant (Variation ID: 2180502). An algorithm developed to predict the effect of missense changes on protein structure and function (PolyPhen-2) suggests that this variant is likely to be disruptive. In summary, the available evidence is currently insufficient to determine the role of this variant in disease. Therefore, it has been classified as a Variant of Uncertain Significance.

CeGaT Center for Human Genetics Tuebingen
Classification: Likely benign. Last evaluated: 2023-04-01. Review status: criteria provided, single submitter. Criteria: CeGaT Center For Human Genetics Tuebingen Variant Classification Criteria Version 2. Collection method: clinical testing. Allele origin: germline. Affected: yes. Observed: 1 variant allele.
Comment: HMCN1: BP4

Ambry Genetics
Classification: Uncertain significance. Last evaluated: 2023-02-15. Review status: criteria provided, single submitter. Criteria: Ambry Variant Classification Scheme 2023. Collection method: clinical testing. Allele origin: germline.

NM_031935.3(HMCN1):c.4816C>A (p.Pro1606Thr)

Gene: HMCN1 (hemicentin 1; plus strand). Cytogenetic location: 1q31.1.
Variant type: single nucleotide variant.
Coding change: c.4816C>A on transcript NM_031935.3 (MANE Select); coding-DNA position 4816, C replaced by A.
Protein change: p.Pro1606Thr; replaces proline 1606 with threonine.
Molecular consequence: missense variant.
Genome position (GRCh38, 1-based): chr1:186,015,344, C>A. VCF-style: chr1-186015344-C-A. GRCh37 (hg19) VCF-style: chr1-185984476-C-A.
Other names: c.4816C>A (NM_031935.2); short protein forms P1606T.
Identifiers: ClinVar variation 2180502 (VCV002180502.30), dbSNP rs776501578, ClinGen allele CA1292106.
Genomic context (GRCh38, chr1:186,015,344, plus strand): 5'-CAGCCAATCATGTCCAGCTCACAAGCACTTTATATTGATAAAGGACAATATCTTCATATT[C>A]CTCGAGCACAGGTCTCTGATTCAGCAACATATACGTGTCATGTAGCCAATGTTGCTGGAA-3'
Protein context (NP_114141.2, residues 1596-1616): YIDKGQYLHI[Pro1606Thr]RAQVSDSATY